The following is an entry in ClinVar:

ClinVar aggregate classification (germline): Pathogenic (1 of 4 stars; one submission).

Conditions:
Joubert syndrome and related disorders. Identifiers: Orphanet 140874, MedGen C5679612, MONDO:0015369.

Submission:

Women's Health and Genetics/Laboratory Corporation of America, LabCorp
Classification: Pathogenic for Joubert syndrome and related disorders. Last evaluated: 2025-01-07. Review status: criteria provided, single submitter. Criteria: LabCorp Variant Classification Summary - May 2015. Collection method: clinical testing. Allele origin: germline.
Comment: Variant summary: The variant involves the deletion of exons 1-20 of the NPHP1 gene. A presumed nomenclature of c.(?_-46)_(*444_?)del has been designated for the purposes of this classification. This deletion includes the entire coding sequence of the gene. As the exact proximal and distal breakpoints are unknown, it may extend beyond the annotated region of the gene to include other flanking genes. A similar copy number variant encompassing all of the NPHP1 coding sequence was found at a frequency of 0.0018 in 21694 control chromosomes. The observed variant frequency is approximately 3.22 fold of the estimated maximal expected allele frequency for a pathogenic variant in NPHP1 causing Joubert Syndrome And Related Disorders phenotype (0.00056), however whole gene deletions are commonly reported among individuals with NPHP1-related conditions. c.(?_-46)_(*444_?)del has been reported in the literature in numerous individuals affected with Joubert Syndrome And Related Disorders (example, Cheema_2020). The following publication have been ascertained in the context of this evaluation (PMID: 33083013). ClinVar contains an entry for this variant (Variation ID: 237627). Based on the evidence outlined above, the variant was classified as pathogenic.

Literature cited by the submitters: PubMed 33083013.

NC_000002.11:g.(?_110880924)_(110962591_?)del

Gene: NPHP1 (nephrocystin 1; minus strand). Cytogenetic location: 2q13.
Variant type: Deletion.
Identifiers: ClinVar variation 3769202 (VCV003769202.2).